The following is an entry in ClinVar:

ClinVar aggregate classification (germline): Likely benign. Review status: criteria provided, multiple submitters, no conflicts (2 of 4 stars). 6 submissions from 6 submitters: Likely benign (6). Last evaluated 2025-01-06.

Conditions:
Marfan syndrome (MFS). Also called: MARFAN SYNDROME, TYPE I; FBN1-Related Marfan Syndrome; Marfan syndrome, classic; Marfan syndrome type 1; Marfan's syndrome. Identifiers: Orphanet 284963, Orphanet 558, MedGen C0024796, MONDO:0007947, OMIM 154700.
Familial thoracic aortic aneurysm and aortic dissection (TAAD). Also called: Thoracic aortic aneurysms and dissections. Identifiers: Orphanet 91387, MedGen C4707243, MONDO:0019625.

Allele frequency attached by ClinVar (database versions not stated): gnomAD exomes below 0.00001; TOPMed below 0.00001; gnomAD 0.00001.
gnomAD v4.1: 51 of 1,614,080 alleles (0.0032%); highest among the groups gnomAD compares: Non-Finnish European, 0.0042%; no homozygotes.

Submissions (6):

ARUP Laboratories, Molecular Genetics and Genomics, ARUP Laboratories
Classification: Likely benign. Last evaluated: 2025-01-06. Review status: criteria provided, single submitter. Criteria: ARUP Molecular Germline Variant Investigation Process 2024. Collection method: clinical testing. Allele origin: germline.

Labcorp Genetics (formerly Invitae), Labcorp
Classification: Likely benign for Marfan syndrome; Familial thoracic aortic aneurysm and aortic dissection. Last evaluated: 2024-11-21. Review status: criteria provided, single submitter. Criteria: Invitae Variant Classification Sherloc (09022015). Collection method: clinical testing. Allele origin: germline.

All of Us Research Program, National Institutes of Health
Classification: Likely benign for Marfan syndrome. Last evaluated: 2023-12-01. Review status: criteria provided, single submitter. Criteria: ACMG Guidelines, 2015. Collection method: clinical testing. Allele origin: germline. Inheritance: Autosomal dominant inheritance. Observed: 2 variant alleles, 2 heterozygotes.
Comment: This study involves interpretation of variants in research participants for the purpose of population health screening. Participant phenotype was not available at the time of variant classification. Additional details can be found in publication PMID: 35346344, PMCID: PMC8962531

Color Diagnostics, LLC DBA Color Health
Classification: Likely benign for Familial thoracic aortic aneurysm and aortic dissection. Last evaluated: 2021-04-02. Review status: criteria provided, single submitter. Criteria: ACMG Guidelines, 2015. Collection method: clinical testing. Allele origin: germline.

GeneDx
Classification: Likely benign. Last evaluated: 2016-05-16. Review status: criteria provided, single submitter. Criteria: GeneDx Variant Classification (06012015). Collection method: clinical testing. Allele origin: germline. Affected: yes.
Comment: This variant is considered likely benign or benign based on one or more of the following criteria: it is a conservative change, it occurs at a poorly conserved position in the protein, it is predicted to be benign by multiple in silico algorithms, and/or has population frequency not consistent with disease.

PreventionGenetics, part of Exact Sciences
Classification: Likely benign. Review status: criteria provided, single submitter. Criteria: ACMG Guidelines, 2015. Collection method: clinical testing. Allele origin: germline.

NM_000138.5(FBN1):c.4059G>T (p.Gly1353=)

Gene: FBN1 (fibrillin 1; minus strand). Cytogenetic location: 15q21.1.
Variant type: single nucleotide variant.
Coding change: c.4059G>T on transcript NM_000138.5 (MANE Select); coding-DNA position 4059, G replaced by T.
Protein change: p.Gly1353=; no amino-acid change (glycine 1353 retained).
Molecular consequence: synonymous variant.
Genome position (GRCh38, 1-based): chr15:48,474,556, C>A on the plus strand (G>T on the coding strand, the complement: FBN1 is on the minus strand). VCF-style: chr15-48474556-C-A. GRCh37 (hg19) VCF-style: chr15-48766753-C-A.
Identifiers: ClinVar variation 255296 (VCV000255296.9), dbSNP rs886038250, ClinGen allele CA10587203.